The following is an entry in ClinVar:

NM_006912.6(RIT1):c.129C>T (p.Ser43=)

Gene: RIT1 (Ras like without CAAX 1; minus strand). Cytogenetic location: 1q22.
Variant type: single nucleotide variant.
Coding change: c.129C>T on transcript NM_006912.6 (MANE Select); coding-DNA position 129, C replaced by T.
Protein change: p.Ser43=; no amino-acid change (serine 43 retained).
Molecular consequence: synonymous variant.
Genome position (GRCh38, 1-based): chr1:155,910,484, G>A on the plus strand (C>T on the coding strand, the complement: RIT1 is on the minus strand). VCF-style: chr1-155910484-G-A. GRCh37 (hg19) VCF-style: chr1-155880275-G-A.
Other names: c.21C>T, p.Ser7= (NM_001256820.2); c.180C>T, p.Ser60= (NM_001256821.2).
Identifiers: ClinVar variation 3895125 (VCV003895125.1).

ClinVar aggregate classification (germline): Likely benign (1 of 4 stars; one submission).

Submission:

Molecular Diagnostic Laboratory for Inherited Cardiovascular Disease, Montreal Heart Institute
Classification: Likely benign. Last evaluated: 2025-04-09. Review status: criteria provided, single submitter. Criteria: ACMG Guidelines, 2015. Collection method: clinical testing. Allele origin: germline. Affected: no.
Comment: BP6